The following is an entry in ClinVar:

NM_006361.6(HOXB13):c.84C>T (p.Val28=)

Gene: HOXB13 (homeobox B13; minus strand). Cytogenetic location: 17q21.32.
Variant type: single nucleotide variant.
Coding change: c.84C>T on transcript NM_006361.6 (MANE Select); coding-DNA position 84, C replaced by T.
Protein change: p.Val28=; no amino-acid change (valine 28 retained).
Molecular consequence: synonymous variant.
Genome position (GRCh38, 1-based): chr17:48,728,510, G>A on the plus strand (C>T on the coding strand, the complement: HOXB13 is on the minus strand). VCF-style: chr17-48728510-G-A. GRCh37 (hg19) VCF-style: chr17-46805872-G-A.
Identifiers: ClinVar variation 1116358 (VCV001116358.12), dbSNP rs2038241798, ClinGen allele CA500503000.

ClinVar aggregate classification (germline): Benign/Likely benign. Review status: criteria provided, multiple submitters, no conflicts (2 of 4 stars). 3 submissions from 3 submitters: Benign (1); Likely benign (2). Last evaluated 2024-10-28.

Conditions:
Prostate cancer, hereditary, 9 (HPC9). Identifiers: Orphanet 1331, MedGen C1970250, MONDO:0012597, OMIM 610997.
Hereditary cancer-predisposing syndrome. Also called: Hereditary neoplastic syndrome; Hereditary Cancer Syndrome; Neoplastic Syndromes, Hereditary; Tumor predisposition. Identifiers: Orphanet 140162, MedGen C0027672, MeSH D009386, MONDO:0015356.

Allele frequency attached by ClinVar (database versions not stated): gnomAD 0.00002.
gnomAD v4.1: 9 of 1,613,256 alleles (0.00056%); highest among the groups gnomAD compares: South Asian, 0.0099%; no homozygotes.

Submissions (3):

Myriad Genetics, Inc.
Classification: Benign for Prostate cancer, hereditary, 9. Last evaluated: 2024-10-28. Review status: criteria provided, single submitter. Criteria: Myriad Autosomal Dominant, Autosomal Recessive and X-Linked Classification Criteria (2023). Collection method: clinical testing. Allele origin: unknown.
Comment: This variant is considered benign. This variant is a silent/synonymous amino acid change and it is not expected to impact splicing.

Labcorp Genetics (formerly Invitae), Labcorp
Classification: Likely benign. Last evaluated: 2022-09-26. Review status: criteria provided, single submitter. Criteria: Invitae Variant Classification Sherloc (09022015). Collection method: clinical testing. Allele origin: germline.

Ambry Genetics
Classification: Likely benign for Hereditary cancer-predisposing syndrome. Last evaluated: 2019-05-14. Review status: criteria provided, single submitter. Criteria: Ambry Variant Classification Scheme 2023. Collection method: clinical testing. Allele origin: germline.